The following is an entry in ClinVar:

NM_000512.5(GALNS):c.690G>T (p.Trp230Cys)

Gene: GALNS (galactosamine (N-acetyl)-6-sulfatase; minus strand). Cytogenetic location: 16q24.3.
Variant type: single nucleotide variant.
Coding change: c.690G>T on transcript NM_000512.5 (MANE Select); coding-DNA position 690, G replaced by T.
Protein change: p.Trp230Cys; replaces tryptophan 230 with cysteine.
Molecular consequence: missense variant.
Genome position (GRCh38, 1-based): chr16:88,835,793, C>A on the plus strand (G>T on the coding strand, the complement: GALNS is on the minus strand). VCF-style: chr16-88835793-C-A. GRCh37 (hg19) VCF-style: chr16-88902201-C-A.
Other names: c.135G>T, p.Trp45Cys (NM_001323543.2); c.708G>T, p.Trp236Cys (NM_001323544.2); short protein forms W230C, W236C, W45C.
Identifiers: ClinVar variation 1048199 (VCV001048199.3), dbSNP rs2143001410, ClinGen allele CA397080444.

ClinVar aggregate classification (germline): Uncertain significance (1 of 4 stars; one submission).

Conditions:
Mucopolysaccharidosis, MPS-IV-A (MPS4A). Also called: Mucopolysaccharidosis type IV A; Mucopolysaccharidosis Type IVA; Morquio syndrome A, mild; MORQUIO SYNDROME A; MPS IVA; mucopolysaccharidosis type 4A. Identifiers: Orphanet 309297, Orphanet 582, MedGen C0086651, MONDO:0009659, OMIM 253000.

Submission:

Laboratory of Diagnosis and Therapy of Lysosomal Disorders, University of Padova
Classification: Uncertain significance for Mucopolysaccharidosis, MPS-IV-A. Last evaluated: 2021-02-01. Review status: criteria provided, single submitter. Criteria: ACMG Guidelines, 2015. Collection method: curation. Allele origin: germline. Affected: yes.
Comment: Absent from gnomAD v2.1.1 (PM2_moderate); multiple lines of computational evidence support a deleterious effect on the gene (PP3_supporting)

Literature cited by the submitters: PubMed 25252036; PubMed 34387910.